The following is an entry in ClinVar:

ClinVar aggregate classification (germline): Uncertain significance (1 of 4 stars; one submission).

Allele frequency attached by ClinVar (database versions not stated): TOPMed below 0.00001; gnomAD 0.00001; gnomAD exomes 0.00001.
gnomAD v4.1: 15 of 1,549,938 alleles (0.00097%); highest among the groups gnomAD compares: Middle Eastern, 0.084%; no homozygotes.

Submission:

Labcorp Genetics (formerly Invitae), Labcorp
Classification: Uncertain significance. Last evaluated: 2021-02-02. Review status: criteria provided, single submitter. Criteria: Invitae Variant Classification Sherloc (09022015). Collection method: clinical testing. Allele origin: germline.
Comment: This sequence change affects codon 689 of the COL18A1 mRNA. It is a 'silent' change, meaning that it does not change the encoded amino acid sequence of the COL18A1 protein. This variant also falls at the last nucleotide of exon 21, which is part of the consensus splice site for this exon. This variant is not present in population databases (ExAC no frequency). This variant has not been reported in the literature in individuals with COL18A1-related conditions. Nucleotide substitutions within the consensus splice site are a relatively common cause of aberrant splicing (PMID: 17576681, 9536098). Algorithms developed to predict the effect of sequence changes on RNA splicing suggest that this variant may disrupt the consensus splice site, but this prediction has not been confirmed by published transcriptional studies. In summary, the available evidence is currently insufficient to determine the role of this variant in disease. Therefore, it has been classified as a Variant of Uncertain Significance.

Literature cited by the submitters: PubMed 17576681; PubMed 9536098.

NM_001379500.1(COL18A1):c.2067G>A (p.Lys689=)

Gene: COL18A1 (collagen type XVIII alpha 1 chain; plus strand). Cytogenetic location: 21q22.3.
Variant type: single nucleotide variant.
Coding change: c.2067G>A on transcript NM_001379500.1 (MANE Select); coding-DNA position 2067, G replaced by A.
Protein change: p.Lys689=; no amino-acid change (lysine 689 retained).
Molecular consequence: synonymous variant.
Genome position (GRCh38, 1-based): chr21:45,490,871, G>A. VCF-style: chr21-45490871-G-A. GRCh37 (hg19) VCF-style: chr21-46910785-G-A.
Other names: c.2607G>A, p.Lys869= (NM_030582.4); c.3312G>A, p.Lys1104= (NM_130444.3).
Identifiers: ClinVar variation 1474770 (VCV001474770.3), dbSNP rs868680623, ClinGen allele CA321919059.
Genomic context (GRCh38, chr21:45,490,871, plus strand): 5'-AACCATTTCCTTCCTGTCTCTCCAGGGGCCAAAGGGAGACAGAGGCAGCCGGGGAGAAAA[G>A]GTGAGTGTCCCTGGGGCGGGTGGATGGGGATGGGGGGCGCTGGGACATCCCAGAAGGTTT-3'
Protein context (NP_001366429.1, residues 679-699): PKGDRGSRGE[Lys689=]GDPGKDGVGQ